The following is an entry in ClinVar:

ClinVar aggregate classification (germline): Likely benign (1 of 4 stars; one submission).

Submission:

CeGaT Center for Human Genetics Tuebingen
Classification: Likely benign. Last evaluated: 2026-01-01. Review status: criteria provided, single submitter. Criteria: CeGaT Center For Human Genetics Tuebingen Variant Classification Criteria Version 2. Collection method: clinical testing. Allele origin: germline. Affected: yes. Observed: 1 variant allele.
Comment: MED12: PM2:Supporting, BP4, BP7

NM_005120.3(MED12):c.6174G>A (p.Gln2058=)

Gene: MED12 (mediator complex subunit 12; plus strand). Cytogenetic location: Xq13.1.
Variant type: single nucleotide variant.
Coding change: c.6174G>A on transcript NM_005120.3 (MANE Select); coding-DNA position 6174, G replaced by A.
Protein change: p.Gln2058=; no amino-acid change (glutamine 2058 retained).
Molecular consequence: synonymous variant.
Genome position (GRCh38, 1-based): chrX:71,140,764, G>A. VCF-style: chrX-71140764-G-A. GRCh37 (hg19) VCF-style: chrX-70360614-G-A.
Identifiers: ClinVar variation 4821103 (VCV004821103.4).
Genomic context (GRCh38, chrX:71,140,764, plus strand): 5'-CCAGGCAGGCGTCCGTTCAACAGCCATCCTACCTGAGCAGCAGCAGCAGCAGCAACAGCA[G>A]CAACAGCAACAGCAGCAGCAGCAGCAACAGCAACAGCAGCAGCAGCAGCAGCAGTACCAC-3'
Protein context (NP_005111.2, residues 2048-2068): LPEQQQQQQQ[Gln2058=]QQQQQQQQQQ